The following is an entry in ClinVar:

NM_001040108.2(MLH3):c.3847G>A (p.Glu1283Lys)

Gene: MLH3 (mutL homolog 3; minus strand). Cytogenetic location: 14q24.3.
Variant type: single nucleotide variant.
Coding change: c.3847G>A on transcript NM_001040108.2 (MANE Select); coding-DNA position 3847, G replaced by A.
Protein change: p.Glu1283Lys; replaces glutamic acid 1283 with lysine.
Molecular consequence: missense variant.
Genome position (GRCh38, 1-based): chr14:75,030,683, C>T on the plus strand (G>A on the coding strand, the complement: MLH3 is on the minus strand). VCF-style: chr14-75030683-C-T. GRCh37 (hg19) VCF-style: chr14-75497386-C-T.
Other names: c.3775G>A, p.Glu1259Lys (NM_014381.3); short protein forms E1259K, E1283K.
Identifiers: ClinVar variation 4860193 (VCV004860193.1).
Genomic context (GRCh38, chr14:75,030,683, plus strand): 5'-TTCCCACAAGGACCAGAGAATCACTAGTGTCTGGAAATACAAATTCAAGGCCCAGATCTT[C>T]CAGATTTTTGTGGTAACACCTAAAGAGATAACCTCAAATGTTAAAAAAAAAAAGAGTGCT-3'
Protein context (NP_001035197.1, residues 1273-1293): RLLWCYHKNL[Glu1283Lys]DLGLEFVFPD

ClinVar aggregate classification (germline): Uncertain significance (1 of 4 stars; one submission).

Submission:

Ambry Genetics
Classification: Uncertain significance. Last evaluated: 2026-05-02. Review status: criteria provided, single submitter. Criteria: Ambry Variant Classification Scheme 2023. Collection method: clinical testing. Allele origin: germline.
Comment: The p.E1283K variant (also known as c.3847G>A), located in coding exon 8 of the MLH3 gene, results from a G to A substitution at nucleotide position 3847. The glutamic acid at codon 1283 is replaced by lysine, an amino acid with similar properties. This amino acid position is conserved. In addition, this alteration is predicted to be tolerated by in silico analysis. Based on the available evidence, the clinical significance of this variant remains unclear.